The following is an entry in ClinVar:

ClinVar aggregate classification (germline): Pathogenic/Likely pathogenic. Review status: criteria provided, multiple submitters, no conflicts (2 of 4 stars). 3 submissions from 3 submitters: Pathogenic (2); Likely pathogenic (1). Last evaluated 2025-04-24.

Conditions:
Wilson disease (WND). Also called: Wilson's disease. Identifiers: Orphanet 905, MedGen C0019202, MONDO:0010200, OMIM 277900. Disease mechanism: loss of function.

gnomAD v4.1: 2 of 1,613,816 alleles (0.00012%); highest among the groups gnomAD compares: Non-Finnish European, 0.00017%; no homozygotes.

Submissions (3):

Natera, Inc.
Classification: Pathogenic for Wilson disease. Last evaluated: 2025-04-24. Review status: criteria provided, single submitter. Criteria: Natera Variant Classification Schema (03/2026). Collection method: clinical testing. Allele origin: germline.
Comment: The c.4125-1G>C variant in ATP7B is a canonical splice acceptor site variant predicted to affect pre-mRNA splicing, which may result in an abnormal transcript and altered protein product. This variant may result in a truncated or dysfunctional protein product. This variant is rare in the general population with a frequency below the threshold expected for the associated phenotype(s). This variant has been observed in one or more individuals affected with the associated recessive disease, as either homozygous or compound heterozygous with a second variant (PMID: 32043565, 35220961). Functional studies show that this variant may disrupt protein function (PMID: 32043565). Given the available evidence, this variant is classified as Pathogenic.

Women's Health and Genetics/Laboratory Corporation of America, LabCorp
Classification: Likely pathogenic for Wilson disease. Last evaluated: 2019-06-17. Review status: criteria provided, single submitter. Criteria: LabCorp Variant Classification Summary - May 2015. Collection method: clinical testing. Allele origin: germline.
Comment: Variant summary: ATP7B c.4125-1G>C is located in a canonical splice-site and is predicted to affect mRNA splicing resulting in a significantly altered protein due to either exon skipping, shortening, or inclusion of intronic material. Several computational tools predict a significant impact on normal splicing: Five predict the variant abolishes a 3 prime acceptor site. However, these predictions have yet to be confirmed by functional studies. The variant was absent in 246942 control chromosomes (gnomAD). To our knowledge, no occurrence of c.4125-1G>C in individuals affected with Wilson Disease and no experimental evidence demonstrating its impact on protein function have been reported. Another variant affecting the same nucleotide (c.4125-1G>A) was reported in affected individuals (HGMD). No clinical diagnostic laboratories have submitted clinical-significance assessments for this variant to ClinVar after 2014. Based on the evidence outlined above, the variant was classified as likely pathogenic.

Clinical Genetics Service, Universitary Hospital 12 de Octubre
Classification: Pathogenic for Wilson disease. Review status: criteria provided, single submitter. Criteria: ACMG Guidelines, 2015. Collection method: clinical testing. Allele origin: germline. Affected: yes.

Literature cited by the submitters: PubMed 32043565 (cited by Natera, Inc.); PubMed 35220961 (cited by Natera, Inc.).

NM_000053.4(ATP7B):c.4125-1G>C

Gene: ATP7B (ATPase copper transporting beta; minus strand). Cytogenetic location: 13q14.3.
Variant type: single nucleotide variant.
Coding change: c.4125-1G>C on transcript NM_000053.4 (MANE Select); the canonical splice acceptor site of the intron before coding-DNA position 4125, G replaced by C.
Molecular consequence: splice acceptor variant.
Genome position (GRCh38, 1-based): chr13:51,935,030, C>G on the plus strand (G>C on the coding strand, the complement: ATP7B is on the minus strand). VCF-style: chr13-51935030-C-G. GRCh37 (hg19) VCF-style: chr13-52509166-C-G.
Other names: c.3891-1G>C (NM_001406527.1, NM_001406528.1, NM_001330578.2); c.3786-1G>C (NM_001406537.1); c.3981-1G>C (NM_001406521.1, NM_001406522.1, NM_001406520.1); c.4119-1G>C (NM_001406513.1); c.4125-1G>C (NM_001406511.1, NM_001406512.1, NM_000053.3); c.3633-1G>C (NM_001406543.1); c.4071-1G>C (NM_001406516.1, NM_001406515.1); c.3873-1G>C (NM_001406532.1, NM_001330579.2, NM_001406531.1); and 21 more.
Identifiers: ClinVar variation 928743 (VCV000928743.3), dbSNP rs1293549383, ClinGen allele CA388019876.